The following is an entry in ClinVar:

NM_024537.4(CARS2):c.919+331G>A

Gene: CARS2 (cysteinyl-tRNA synthetase 2, mitochondrial; minus strand). Cytogenetic location: 13q34.
Variant type: single nucleotide variant.
Coding change: c.919+331G>A on transcript NM_024537.4 (MANE Select); 331 bases into the intron after coding-DNA position 919, G replaced by A.
Molecular consequence: intron variant.
Genome position (GRCh38, 1-based): chr13:110,667,009, C>T on the plus strand (G>A on the coding strand, the complement: CARS2 is on the minus strand). VCF-style: chr13-110667009-C-T. GRCh37 (hg19) VCF-style: chr13-111319356-C-T.
Other names: c.133+331G>A (NM_001352252.2); c.919+331G>A (NM_001352253.3).
Identifiers: ClinVar variation 3256847 (VCV003256847.2).

ClinVar aggregate classification (germline): Benign (1 of 4 stars; one submission).

gnomAD v4.1: 753,405 of 910,230 alleles (83%); highest among the groups gnomAD compares: East Asian, 85%; 313,159 homozygotes.

Submission:

Unidad de Genómica Garrahan, Hospital de Pediatría Garrahan
Classification: Benign. Last evaluated: 2024-07-31. Review status: criteria provided, single submitter. Criteria: ACMG Guidelines, 2015. Collection method: clinical testing. Allele origin: germline. Affected: no. Observed: 79 variant alleles.
Comment: This variant is classified as Benign based on local population frequency. This variant was detected in 85% of patients studied in a panel designed for Epileptic and Developmental Encephalopathy, Progressive Myoclonus Epilepsy and Abnormal Movements and Neurodegeneration with brain iron accumulation. Number of patients: 79. Only high quality variants are reported.